The following is an entry in ClinVar:

NM_002447.4(MST1R):c.2358C>T (p.Ile786=)

Gene: MST1R (macrophage stimulating 1 receptor; minus strand). Cytogenetic location: 3p21.31.
Variant type: single nucleotide variant.
Coding change: c.2358C>T on transcript NM_002447.4 (MANE Select); coding-DNA position 2358, C replaced by T.
Protein change: p.Ile786=; no amino-acid change (isoleucine 786 retained).
Molecular consequence: synonymous variant. On other transcripts: non-coding transcript variant (1).
Genome position (GRCh38, 1-based): chr3:49,896,621, G>A on the plus strand (C>T on the coding strand, the complement: MST1R is on the minus strand). VCF-style: chr3-49896621-G-A. GRCh37 (hg19) VCF-style: chr3-49934054-G-A.
Other names: c.2358C>T, p.Ile786= (NM_001244937.3); c.2040C>T, p.Ile680= (NM_001318913.2).
Identifiers: ClinVar variation 3058361 (VCV003058361.2), dbSNP rs562678926, ClinGen allele CA2408930.

ClinVar aggregate classification (germline): Likely benign (0 of 4 stars; one submission).

Conditions:
MST1R-related disorder. Also called: MST1R-related condition.

Allele frequency attached by ClinVar (database versions not stated): ExAC 0.00001; gnomAD exomes 0.00001; gnomAD 0.00007; 1000 Genomes Project 30x 0.00016; 1000 Genomes Project 0.00020; TOPMed 0.00026.
gnomAD v4.1: 23 of 1,614,166 alleles (0.0014%); highest among the groups gnomAD compares: Admixed American, 0.027%; no homozygotes.

Submission:

PreventionGenetics, part of Exact Sciences
Classification: Likely benign for MST1R-related condition. Last evaluated: 2019-02-20. Review status: no assertion criteria provided. Collection method: clinical testing. Allele origin: germline.
Comment: This variant is classified as likely benign based on ACMG/AMP sequence variant interpretation guidelines (Richards et al. 2015 PMID: 25741868, with internal and published modifications).